The following is an entry in ClinVar:

ClinVar aggregate classification (germline): Pathogenic. Review status: reviewed by expert panel (3 of 4 stars). 4 submissions from 4 submitters: Pathogenic (1). 3 of the submissions do not count toward it. Last evaluated 2016-09-08.

Conditions:
Hereditary cancer-predisposing syndrome. Also called: Tumor predisposition; Neoplastic Syndromes, Hereditary; Hereditary neoplastic syndrome; Hereditary Cancer Syndrome. Identifiers: Orphanet 140162, MedGen C0027672, MeSH D009386, MONDO:0015356.
Hereditary breast ovarian cancer syndrome. Also called: Hereditary breast and ovarian cancer; Hereditary breast and ovarian cancer syndrome (HBOC); Hereditary breast and/or ovarian cancer syndrome; Breast and ovarian cancer; Hereditary breast and ovarian cancer syndrome; BRCA1- and BRCA2-Associated Hereditary Breast and Ovarian Cancer. Identifiers: Orphanet 145, MedGen C0677776, MeSH D061325, MONDO:0003582. Disease mechanism: loss of function.
Breast-ovarian cancer, familial, susceptibility to, 2 (BROVCA2). Also called: BRCA2 Hereditary Breast and Ovarian Cancer. Identifiers: Orphanet 145, MedGen C2675520, MONDO:0012933, OMIM 612555. Disease mechanism: loss of function.

Submissions (4):

Evidence-based Network for the Interpretation of Germline Mutant Alleles (ENIGMA)
Classification: Pathogenic for Breast-ovarian cancer, familial, susceptibility to, 2. Last evaluated: 2016-09-08. Review status: reviewed by expert panel. Criteria: ENIGMA BRCA1/2 Classification Criteria (2015). Collection method: curation. Allele origin: germline.
Comment: Variant allele predicted to encode a truncated non-functional protein.

Labcorp Genetics (formerly Invitae), Labcorp
Classification: Pathogenic for Hereditary breast ovarian cancer syndrome. Last evaluated: 2025-01-23. Review status: criteria provided, single submitter. Criteria: Invitae Variant Classification Sherloc (09022015). Collection method: clinical testing. Allele origin: germline. Not counted in ClinVar's aggregate classification.
Comment: This sequence change creates a premature translational stop signal (p.Ser1667*) in the BRCA2 gene. It is expected to result in an absent or disrupted protein product. Loss-of-function variants in BRCA2 are known to be pathogenic (PMID: 20104584). This variant is not present in population databases (gnomAD no frequency). This premature translational stop signal has been observed in individual(s) with clinical features of BRCA2-related conditions (PMID: 21520333, 31837001). ClinVar contains an entry for this variant (Variation ID: 37938). For these reasons, this variant has been classified as Pathogenic.

Color Diagnostics, LLC DBA Color Health
Classification: Pathogenic for Hereditary cancer-predisposing syndrome. Last evaluated: 2022-01-12. Review status: criteria provided, single submitter. Criteria: ACMG Guidelines, 2015. Collection method: clinical testing. Allele origin: germline. Not counted in ClinVar's aggregate classification.
Comment: This variant changes 1 nucleotide in exon 11 of the BRCA2 gene, creating a premature translation stop signal. This variant is expected to result in an absent or non-functional protein product. To our knowledge, this variant has not been reported in individuals affected with hereditary cancer in the literature. This variant has not been identified in the general population by the Genome Aggregation Database (gnomAD). Loss of BRCA2 function is a known mechanism of disease. Based on the available evidence, this variant is classified as Pathogenic.

Sharing Clinical Reports Project (SCRP)
Classification: Pathogenic for Breast-ovarian cancer, familial 2. Last evaluated: 2011-02-09. Review status: no assertion criteria provided. Collection method: clinical testing. Allele origin: germline. Not counted in ClinVar's aggregate classification.

Literature cited by the submitters: PubMed 20104584 (cited by Labcorp Genetics (formerly Invitae), Labcorp); PubMed 21520333 (cited by Labcorp Genetics (formerly Invitae), Labcorp); PubMed 31837001 (cited by Labcorp Genetics (formerly Invitae), Labcorp).

NM_000059.4(BRCA2):c.5000C>G (p.Ser1667Ter)

Gene: BRCA2 (BRCA2 DNA repair associated; plus strand). Cytogenetic location: 13q13.1.
Variant type: single nucleotide variant.
Coding change: c.5000C>G on transcript NM_000059.4 (MANE Select); coding-DNA position 5000, C replaced by G.
Protein change: p.Ser1667Ter; replaces serine 1667 with a stop codon.
Molecular consequence: nonsense.
Genome position (GRCh38, 1-based): chr13:32,339,355, C>G. VCF-style: chr13-32339355-C-G. GRCh37 (hg19) VCF-style: chr13-32913492-C-G.
Other names: 5228C>G; short protein forms S1667*.
Identifiers: ClinVar variation 37938 (VCV000037938.18), dbSNP rs397507346, ClinGen allele CA021122.